The following is an entry in ClinVar:

ClinVar aggregate classification (germline): Uncertain significance (1 of 4 stars; one submission).

Allele frequency attached by ClinVar (database versions not stated): gnomAD exomes below 0.00001; TOPMed 0.00001.
gnomAD v4.1: 5 of 1,614,248 alleles (0.00031%); highest among the groups gnomAD compares: East Asian, 0.0089%; no homozygotes.

Submission:

Labcorp Genetics (formerly Invitae), Labcorp
Classification: Uncertain significance. Last evaluated: 2026-01-05. Review status: criteria provided, single submitter. Criteria: Invitae Variant Classification Sherloc (09022015). Collection method: clinical testing. Allele origin: germline.
Comment: This sequence change replaces isoleucine, which is neutral and non-polar, with valine, which is neutral and non-polar, at codon 180 of the ATP1A1 protein (p.Ile180Val). This variant is not present in population databases (gnomAD no frequency). This variant has not been reported in the literature in individuals affected with ATP1A1-related conditions. ClinVar contains an entry for this variant (Variation ID: 1978376). Invitae Evidence Modeling of protein sequence and biophysical properties (such as structural, functional, and spatial information, amino acid conservation, physicochemical variation, residue mobility, and thermodynamic stability) indicates that this missense variant is not expected to disrupt ATP1A1 protein function with a negative predictive value of 95%. In summary, the available evidence is currently insufficient to determine the role of this variant in disease. Therefore, it has been classified as a Variant of Uncertain Significance.

NM_000701.8(ATP1A1):c.538A>G (p.Ile180Val)

Gene: ATP1A1 (ATPase Na+/K+ transporting subunit alpha 1; plus strand). Cytogenetic location: 1p13.1.
Variant type: single nucleotide variant.
Coding change: c.538A>G on transcript NM_000701.8 (MANE Select); coding-DNA position 538, A replaced by G.
Protein change: p.Ile180Val; replaces isoleucine 180 with valine.
Molecular consequence: missense variant.
Genome position (GRCh38, 1-based): chr1:116,388,674, A>G. VCF-style: chr1-116388674-A-G. GRCh37 (hg19) VCF-style: chr1-116931296-A-G.
Other names: c.538A>G, p.Ile180Val (NM_001160233.2); c.445A>G, p.Ile149Val (NM_001160234.2); short protein forms I149V, I180V.
Identifiers: ClinVar variation 1978376 (VCV001978376.4), dbSNP rs1476953195, ClinGen allele CA341842504.